The following is an entry in ClinVar:

ClinVar aggregate classification (germline): Uncertain significance (1 of 4 stars; one submission).

Allele frequency attached by ClinVar (database versions not stated): gnomAD exomes below 0.00001; TOPMed 0.00001.
gnomAD v4.1: 2 of 1,606,586 alleles (0.00012%); highest among the groups gnomAD compares: Non-Finnish European, 0.00017%; no homozygotes.

Submission:

Labcorp Genetics (formerly Invitae), Labcorp
Classification: Uncertain significance. Last evaluated: 2024-08-07. Review status: criteria provided, single submitter. Criteria: Invitae Variant Classification Sherloc (09022015). Collection method: clinical testing. Allele origin: germline.
Comment: This sequence change replaces glutamine, which is neutral and polar, with arginine, which is basic and polar, at codon 363 of the TRIP12 protein (p.Gln363Arg). This variant is not present in population databases (gnomAD no frequency). This variant has not been reported in the literature in individuals affected with TRIP12-related conditions. An algorithm developed to predict the effect of missense changes on protein structure and function (PolyPhen-2) suggests that this variant is likely to be tolerated. In summary, the available evidence is currently insufficient to determine the role of this variant in disease. Therefore, it has been classified as a Variant of Uncertain Significance.

NM_001348323.3(TRIP12):c.1214A>G (p.Gln405Arg)

Gene: TRIP12 (thyroid hormone receptor interactor 12; minus strand). Cytogenetic location: 2q36.3.
Variant type: single nucleotide variant.
Coding change: c.1214A>G on transcript NM_001348323.3 (MANE Select); coding-DNA position 1214, A replaced by G.
Protein change: p.Gln405Arg; replaces glutamine 405 with arginine.
Molecular consequence: missense variant.
Genome position (GRCh38, 1-based): chr2:229,836,904, T>C on the plus strand (A>G on the coding strand, the complement: TRIP12 is on the minus strand). VCF-style: chr2-229836904-T-C. GRCh37 (hg19) VCF-style: chr2-230701620-T-C.
Other names: c.1214A>G, p.Gln405Arg (NM_001284214.2, NM_001348315.2, NM_001348319.1 and 13 more transcripts); c.1088A>G, p.Gln363Arg (NM_001284215.2, NM_001348316.2, NM_001348317.1 and 3 more transcripts); c.179A>G, p.Gln60Arg (NM_001284216.2); c.1127A>G, p.Gln376Arg (NM_001348332.1, NM_001348334.1); short protein forms Q376R, Q60R, Q405R, Q363R.
Identifiers: ClinVar variation 2712722 (VCV002712722.3), dbSNP rs2054972299, ClinGen allele CA350884837.